The following is an entry in ClinVar:

NM_020376.4(PNPLA2):c.1401_1421dup (p.Ala475_Ser476insProAlaProAlaAspProAla)

Gene: PNPLA2 (patatin like domain 2, triacylglycerol lipase; plus strand). Cytogenetic location: 11p15.5.
Variant type: Duplication.
Coding change: c.1401_1421dup on transcript NM_020376.4 (MANE Select); coding-DNA positions 1401 to 1421, 21 bases duplicated (GGCTCCCGCCCCCGCGGACCC).
Protein change: p.Ala475_Ser476insProAlaProAlaAspProAla.
Molecular consequence: inframe insertion.
Genome position (GRCh38, 1-based): chr11:824,748-824,768, GGCTCCCGCCCCCGCGGACCC duplicated; duplicating any 21 consecutive bases within chr11:824,743-824,768 gives the same sequence; the c. name uses the placement nearest the transcript's 3' end. VCF-style (leftmost placement, unchanged base first): chr11-824742-C-CGACCCGGCTCCCGCCCCCGCG. GRCh37 (hg19) VCF-style: chr11-824742-C-CGACCCGGCTCCCGCCCCCGCG.
Identifiers: ClinVar variation 1985588 (VCV001985588.4), dbSNP rs2495568970, ClinGen allele CA2580083886.

ClinVar aggregate classification (germline): Uncertain significance (1 of 4 stars; one submission).

Conditions:
Neutral lipid storage myopathy (NLSDM). Also called: NEUTRAL LIPID STORAGE DISEASE WITHOUT ICHTHYOSIS. Identifiers: Orphanet 98908, MedGen C1853136, MONDO:0012545, OMIM 610717.

Submission:

Labcorp Genetics (formerly Invitae), Labcorp
Classification: Uncertain significance for Neutral lipid storage myopathy. Last evaluated: 2022-07-30. Review status: criteria provided, single submitter. Criteria: Invitae Variant Classification Sherloc (09022015). Collection method: clinical testing. Allele origin: germline.
Comment: In summary, the available evidence is currently insufficient to determine the role of this variant in disease. Therefore, it has been classified as a Variant of Uncertain Significance. This variant has not been reported in the literature in individuals affected with PNPLA2-related conditions. This variant is not present in population databases (gnomAD no frequency). This variant, c.1401_1421dup, results in the insertion of 7 amino acid(s) of the PNPLA2 protein (p.Pro469_Ala475dup), but otherwise preserves the integrity of the reading frame.